The following is an entry in ClinVar:

ClinVar aggregate classification (germline): Uncertain significance. Review status: criteria provided, multiple submitters, no conflicts (2 of 4 stars). 2 submissions from 2 submitters: Uncertain significance (2). Last evaluated 2025-06-04.

Conditions:
Dyskeratosis congenita, autosomal dominant 1 (DKCA1). Also called: Dyskeratosis congenita Scoggins type. Identifiers: Orphanet 1775, MedGen C4551974, MONDO:0007485, OMIM 127550. Inheritance: Variable.

Allele frequency attached by ClinVar (database versions not stated): gnomAD exomes 0.00006.
gnomAD v4.1: 37 of 757,302 alleles (0.0049%); highest among the groups gnomAD compares: East Asian, 0.091%; no homozygotes.

Submissions (2):

Labcorp Genetics (formerly Invitae), Labcorp
Classification: Uncertain significance for Dyskeratosis congenita, autosomal dominant 1. Last evaluated: 2025-06-04. Review status: criteria provided, single submitter. Criteria: Invitae Variant Classification Sherloc (09022015). Collection method: clinical testing. Allele origin: germline.
Comment: This variant occurs in the TERC gene, which encodes an RNA molecule that does not result in a protein product. This variant is not present in population databases (gnomAD no frequency). This variant has not been reported in the literature in individuals affected with TERC-related conditions. ClinVar contains an entry for this variant (Variation ID: 860094). This variant is located within the BoxH/ACA scaRNA domain of the TERC RNA component, which is required for telomerase activity (PMID: 21844345). In summary, the available evidence is currently insufficient to determine the role of this variant in disease. Therefore, it has been classified as a Variant of Uncertain Significance.

Genetic Services Laboratory, University of Chicago
Classification: Uncertain significance. Last evaluated: 2021-08-04. Review status: criteria provided, single submitter. Criteria: ACMG Guidelines, 2015. Collection method: clinical testing. Allele origin: germline. Affected: no.
Comment: DNA sequence analysis of the TERC gene demonstrated a sequence change, n.341G>A. This change does not appear to have been previously described in individuals with TERC-related disorders and it has not been described in population databases including EXAC and gnomAD. The functional significance of this sequence change is not known at present and its contribution to this individual's disease phenotype cannot definitively be determined.

Literature cited by the submitters: PubMed 21844345 (cited by Labcorp Genetics (formerly Invitae), Labcorp).

NR_001566.3(TERC):n.341G>A

Genes: TERC (telomerase RNA component; minus strand), LOC110806306 (telomerase RNA component (TERC) promoter; plus strand). Cytogenetic location: 3q26.2.
Variant type: single nucleotide variant.
Genome position: GRCh38 VCF-style: chr3-169764720-C-T. GRCh37 (hg19) VCF-style: chr3-169482508-C-T.
Identifiers: ClinVar variation 860094 (VCV000860094.12), dbSNP rs1777959766, ClinGen allele CA436714999.